The following is an entry in ClinVar:

NM_004092.4(ECHS1):c.176A>G (p.Asn59Ser)

Gene: ECHS1 (enoyl-CoA hydratase, short chain 1; minus strand). Cytogenetic location: 10q26.3.
Variant type: single nucleotide variant.
Coding change: c.176A>G on transcript NM_004092.4 (MANE Select); coding-DNA position 176, A replaced by G.
Protein change: p.Asn59Ser; replaces asparagine 59 with serine.
Molecular consequence: missense variant.
Genome position (GRCh38, 1-based): chr10:133,370,670, T>C on the plus strand (A>G on the coding strand, the complement: ECHS1 is on the minus strand). VCF-style: chr10-133370670-T-C. GRCh37 (hg19) VCF-style: chr10-135184174-T-C.
Other names: short protein forms N59S.
Identifiers: ClinVar variation 218890 (VCV000218890.24), dbSNP rs201865375, ClinGen allele CA090977.

ClinVar aggregate classification (germline): Pathogenic/Likely pathogenic. Review status: criteria provided, multiple submitters, no conflicts (2 of 4 stars). 9 submissions from 9 submitters: Pathogenic (5); Likely pathogenic (2). 2 of the submissions do not count toward it. Last evaluated 2026-04-23.

Conditions:
ECHS1-related disorders.
ECHS1-related disorder. Also called: ECHS1-related condition.
Mitochondrial short-chain Enoyl-Coa hydratase 1 deficiency. Also called: ECHS1 deficiency; PxMD-ECHS1; Mitochondrial Short-Chain Enoyl-CoA Hydratase Deficiency. Identifiers: Orphanet 255241, Orphanet 653880, MedGen C4225391, MONDO:0014563, OMIM 616277.

Allele frequency attached by ClinVar (database versions not stated): gnomAD 0.00001 and 0.00003; TOPMed 0.00003; ExAC 0.00004; gnomAD exomes 0.00004 and 0.00005; 1000 Genomes Project 30x 0.00031; 1000 Genomes Project 0.00040.

Submissions (9):

GeneDx
Classification: Pathogenic. Last evaluated: 2026-04-23. Review status: criteria provided, single submitter. Criteria: GeneDx Variant Classification Process June 2021. Collection method: clinical testing. Allele origin: germline.
Comment: Published functional studies demonstrate that N59S results in an unstable ECHS1 protein (PMID: 26251176); In silico analysis supports that this missense variant has a deleterious effect on protein structure/function; This variant is associated with the following publications: (PMID: 40513498, 31967322, 31016024, 33163364, 26000322, 32013919, 33139125, 28429146, 34426522, 34667719, 33574353, 32901917, 37055166, 35094435, 26251176)

Dasa
Classification: Likely pathogenic. Last evaluated: 2026-02-12. Review status: criteria provided, single submitter. Criteria: DASA Assertion Criteria. Collection method: clinical testing. Allele origin: germline.
Comment: NM_004092.4(ECHS1):c.176A>G (p.Asn59Ser) is a missense variant that results in the substitution of asparagine with serine. Segregation data support an association with disease in the reported family/families. This variant has been recurrently observed in individuals with ECHS1-related disorders (PMID: 26251176; PMID: 26000322). Functional evidence supports an impact on the gene or gene product (PMID: 26251176; PMID: 26000322). Also, this variant is rare in population databases. Computational evidence supports a deleterious effect. Based on the currently available evidence, this variant is classified as likely pathogenic.

Labcorp Genetics (formerly Invitae), Labcorp
Classification: Pathogenic. Last evaluated: 2025-10-20. Review status: criteria provided, single submitter. Criteria: Invitae Variant Classification Sherloc (09022015). Collection method: clinical testing. Allele origin: germline.
Comment: This sequence change replaces asparagine, which is neutral and polar, with serine, which is neutral and polar, at codon 59 of the ECHS1 protein (p.Asn59Ser). This variant is present in population databases (rs201865375, gnomAD 0.02%). This missense change has been observed in individuals with mitochondrial short-chain enoyl-CoA hydratase 1 deficiency (PMID: 26000322, 26251176, 28429146). It has also been observed to segregate with disease in related individuals. ClinVar contains an entry for this variant (Variation ID: 218890). Invitae Evidence Modeling of protein sequence and biophysical properties (such as structural, functional, and spatial information, amino acid conservation, physicochemical variation, residue mobility, and thermodynamic stability) indicates that this missense variant is expected to disrupt ECHS1 protein function with a positive predictive value of 80%. Experimental studies have shown that this missense change affects ECHS1 function (PMID: 26251176). For these reasons, this variant has been classified as Pathogenic.

Variantyx, Inc.
Classification: Pathogenic for Mitochondrial short-chain Enoyl-Coa hydratase 1 deficiency. Last evaluated: 2025-05-13. Review status: criteria provided, single submitter. Criteria: Variantyx Assertion Criteria 2022. Collection method: clinical testing. Allele origin: germline. Inheritance: Autosomal recessive inheritance. Affected: no.
Comment: This is a nonsynonymous variant in the ECHS1 gene (OMIM: 602292). Pathogenic variants in this gene have been associated with autosomal recessive mitochondrial short-chain enoyl-CoA hydratase 1 deficiency. This variant has been identified in the homozygous or compound heterozygous state in at least 7 individuals reported in the published literature (PMID: 26000322, 31016024, 32901917, 33163364, 33574353, 26251176, 37055166) (PM3_Strong)}. Functional studies have shown that this variant alters ECHS1 protein function (PMID: 26251176, 31016024, 37055166) (PS3) and multiple computational algorithms predict a deleterious effect for this variant (REVEL score: 0.712) (PP3). This variant has a 0.1047% maximum allele frequency in non-founder control populations. Based on the current evidence, this variant is classified as pathogenic for autosomal recessive mitochondrial short-chain enoyl-CoA hydratase 1 deficiency.

Blueprint Genetics
Classification: Pathogenic for ECHS1-related disorders. Last evaluated: 2023-09-25. Review status: criteria provided, single submitter. Criteria: ACMG Guidelines, 2015. Collection method: clinical testing. Allele origin: germline. Affected: yes. Observed: 3 variant alleles.

3billion
Classification: Pathogenic for Mitochondrial short-chain Enoyl-Coa hydratase 1 deficiency. Last evaluated: 2021-10-02. Review status: criteria provided, single submitter. Criteria: ACMG Guidelines, 2015. Collection method: clinical testing. Allele origin: maternal. Affected: yes. Observed: 1 heterozygote.
Comment: Same nucleotide change resulting in same amino acid change has been previously reported as pathogenic/likely pathogeic with strong evidence (ClinVar ID:VCV000218890.5, PMID:28429146, 26251176, PS1). It is observed at an extremely low frequency in the gnomAD v2.1.1 dataset (total allele frequency: 0.000036, PM2). The variant has been reported to be in trans with a pathogenic variant as either compound heterozygous in at least one similarly affected unrelated individual (PMID:28429146, 26251176; 3billion dataset). Missense changes are a common disease-causing mechanism (PP2). In silico tool predictions suggest damaging effect of the variant on gene or gene product (REVEL: 0.712, 3Cnet: 0.973, PP3). Patient's phenotype is considered compatible with Mitochondrial Short-Chain Enoyl-CoA Hydratase Deficiency (3billion dataset, PP4). Therefore, this variant is classified aslikely pathogenic according to the recommendation of ACMG/AMP guideline.

Revvity Omics, Revvity
Classification: Likely pathogenic for Mitochondrial short-chain Enoyl-Coa hydratase 1 deficiency. Last evaluated: 2020-07-02. Review status: criteria provided, single submitter. Criteria: ACMG Guidelines, 2015. Collection method: clinical testing. Allele origin: germline.

PreventionGenetics, part of Exact Sciences
Classification: Pathogenic for ECHS1-related condition. Last evaluated: 2024-07-07. Review status: no assertion criteria provided. Collection method: clinical testing. Allele origin: germline. Not counted in ClinVar's aggregate classification.
Comment: The ECHS1 c.176A>G variant is predicted to result in the amino acid substitution p.Asn59Ser. This variant has been reported in the compound heterozygous state in multiple individuals with ECHS1-deficiency (see for example, Haack et al. 2015. PubMed ID: 26000322; Supplemental Table, Ogawa et al. 2020. PubMed ID: 31967322; Kuwajima et al. 2021. PubMed ID: 34667719). This variant is reported in 0.016% of alleles in individuals of East Asian descent in gnomAD, and has been consistently classified as pathogenic in ClinVar. Given the evidence, we interpret this variant as pathogenic.

OMIM
Classification: Pathogenic for MITOCHONDRIAL SHORT-CHAIN ENOYL-CoA HYDRATASE 1 DEFICIENCY. Last evaluated: 2015-10-01. Review status: no assertion criteria provided. Collection method: literature only. Allele origin: germline. Not counted in ClinVar's aggregate classification.

Literature cited by the submitters: PubMed 26251176 (cited by 5 submitters); PubMed 26000322 (cited by 4 submitters); PubMed 28429146 (cited by Labcorp Genetics (formerly Invitae), Labcorp and 3billion); PubMed 31016024 (cited by Variantyx, Inc.); PubMed 37055166 (cited by Variantyx, Inc.); PubMed 32901917 (cited by Variantyx, Inc.); PubMed 33163364 (cited by Variantyx, Inc.); PubMed 33574353 (cited by Variantyx, Inc.).